The following is an entry in ClinVar:

ClinVar aggregate classification (germline): Likely pathogenic (1 of 4 stars; one submission).

Submission:

GeneDx
Classification: Likely pathogenic. Last evaluated: 2019-06-03. Review status: criteria provided, single submitter. Criteria: GeneDx Variant Classification Process June 2021. Collection method: clinical testing. Allele origin: germline. Affected: yes.
Comment: Frameshift variant predicted to result in protein truncation or nonsense mediated decay in a gene for which loss-of-function is a known mechanism of disease; Not observed in large population cohorts (Lek et al., 2016); Has not been previously published as pathogenic or benign to our knowledge

NM_006892.4(DNMT3B):c.562dup (p.Tyr188fs)

Gene: DNMT3B (DNA methyltransferase 3 beta; plus strand). Cytogenetic location: 20q11.21.
Variant type: Duplication.
Coding change: c.562dup on transcript NM_006892.4 (MANE Select); coding-DNA position 562, one base duplicated (T; older notation c.562dupT).
Protein change: p.Tyr188fs; shifts the reading frame from tyrosine 188.
Molecular consequence: frameshift variant.
Genome position (GRCh38, 1-based): chr20:32,787,359, T duplicated. VCF-style (leftmost placement, unchanged base first): chr20-32787358-C-CT. GRCh37 (hg19) VCF-style: chr20-31375164-C-CT.
Other names: c.562dupT (NM_006892.3); c.436dup, p.Tyr146fs (NM_001207055.2); c.334dup, p.Tyr112fs (NM_001207056.2); c.562dup, p.Tyr188fs (NM_175848.2, NM_175849.2); c.598dup, p.Tyr200fs (NM_175850.3); short protein forms Y146fs, Y112fs, Y188fs, Y200fs.
Identifiers: ClinVar variation 373054 (VCV000373054.3), dbSNP rs1057518176, ClinGen allele CA16043133.
Genomic context (GRCh38, chr20:32,787,358, plus strand): 5'-CATCGACCTCACAGACGACACAGAGGACACACATGGGACGCCCCAGAGCAGCAGTACCCC[C>CT]TACGCCCGCCTAGCCCAGGACAGCCAGCAGGGGGGCATGGAGTCCCCGCAGGTGGAGGCA-3'